The following is an entry in ClinVar:

NM_022114.4(PRDM16):c.1715C>A (p.Ala572Asp)

Gene: PRDM16 (PR/SET domain 16; plus strand). Cytogenetic location: 1p36.32.
Variant type: single nucleotide variant.
Coding change: c.1715C>A on transcript NM_022114.4 (MANE Select); coding-DNA position 1715, C replaced by A.
Protein change: p.Ala572Asp; replaces alanine 572 with aspartic acid.
Molecular consequence: missense variant.
Genome position (GRCh38, 1-based): chr1:3,411,912, C>A. VCF-style: chr1-3411912-C-A. GRCh37 (hg19) VCF-style: chr1-3328476-C-A.
Other names: c.1715C>A, p.Ala572Asp (NM_199454.3); short protein forms A572D.
Identifiers: ClinVar variation 954345 (VCV000954345.11), dbSNP rs750914621, ClinGen allele CA544263.

ClinVar aggregate classification (germline): Uncertain significance. Review status: criteria provided, multiple submitters, no conflicts (2 of 4 stars). 3 submissions from 3 submitters: Uncertain significance (3). Last evaluated 2025-10-29.

Conditions:
Inborn genetic diseases. Identifiers: MedGen C0950123, MeSH D030342.
Left ventricular noncompaction 8 (LVNC8). Identifiers: Orphanet 154, Orphanet 54260, MedGen C3809288, MONDO:0014152, OMIM 615373.

Allele frequency attached by ClinVar (database versions not stated): gnomAD exomes 0.00002; ExAC 0.00004; gnomAD 0.00001.
gnomAD v4.1: 33 of 1,613,736 alleles (0.002%); highest among the groups gnomAD compares: South Asian, 0.036%; no homozygotes.

Submissions (3):

Labcorp Genetics (formerly Invitae), Labcorp
Classification: Uncertain significance for Left ventricular noncompaction 8. Last evaluated: 2025-10-29. Review status: criteria provided, single submitter. Criteria: Invitae Variant Classification Sherloc (09022015). Collection method: clinical testing. Allele origin: germline.
Comment: This sequence change replaces alanine, which is neutral and non-polar, with aspartic acid, which is acidic and polar, at codon 572 of the PRDM16 protein (p.Ala572Asp). This variant is present in population databases (rs750914621, gnomAD 0.02%). This variant has not been reported in the literature in individuals affected with PRDM16-related conditions. ClinVar contains an entry for this variant (Variation ID: 954345). An algorithm developed to predict the effect of missense changes on protein structure and function (PolyPhen-2) suggests that this variant is likely to be tolerated. In summary, the available evidence is currently insufficient to determine the role of this variant in disease. Therefore, it has been classified as a Variant of Uncertain Significance.

GeneDx
Classification: Uncertain significance. Last evaluated: 2025-04-22. Review status: criteria provided, single submitter. Criteria: GeneDx Variant Classification Process June 2021. Collection method: clinical testing. Allele origin: germline. Affected: yes.
Comment: In silico analysis indicates that this missense variant does not alter protein structure/function; Has not been previously published as pathogenic or benign to our knowledge

Ambry Genetics
Classification: Uncertain significance for Inborn genetic diseases. Last evaluated: 2022-05-06. Review status: criteria provided, single submitter. Criteria: Ambry Variant Classification Scheme 2023. Collection method: clinical testing. Allele origin: germline.